The following is an entry in ClinVar:

ClinVar aggregate classification (germline): Uncertain significance (1 of 4 stars; one submission).

Conditions:
Inborn genetic diseases. Identifiers: MedGen C0950123, MeSH D030342.

gnomAD v4.1: 14 of 1,614,136 alleles (0.00087%); highest among the groups gnomAD compares: South Asian, 0.014%; no homozygotes.

Submission:

Ambry Genetics
Classification: Uncertain significance for Inborn genetic diseases. Last evaluated: 2025-08-20. Review status: criteria provided, single submitter. Criteria: Ambry Variant Classification Scheme 2023. Collection method: clinical testing. Allele origin: germline.
Comment: The p.S180G variant (also known as c.538A>G), located in coding exon 1 of the SAMD9 gene, results from an A to G substitution at nucleotide position 538. The serine at codon 180 is replaced by glycine, an amino acid with similar properties. This amino acid position is conserved. In addition, this alteration is predicted to be tolerated by in silico analysis. Based on the available evidence, the clinical significance of this variant remains unclear.

NM_017654.4(SAMD9):c.538A>G (p.Ser180Gly)

Gene: SAMD9 (sterile alpha motif domain containing 9; minus strand). Cytogenetic location: 7q21.2.
Variant type: single nucleotide variant.
Coding change: c.538A>G on transcript NM_017654.4 (MANE Select); coding-DNA position 538, A replaced by G.
Protein change: p.Ser180Gly; replaces serine 180 with glycine.
Molecular consequence: missense variant.
Genome position (GRCh38, 1-based): chr7:93,105,560, T>C on the plus strand (A>G on the coding strand, the complement: SAMD9 is on the minus strand). VCF-style: chr7-93105560-T-C. GRCh37 (hg19) VCF-style: chr7-92734873-T-C.
Other names: c.538A>G, p.Ser180Gly (NM_001193307.2); short protein forms S180G.
Identifiers: ClinVar variation 4159166 (VCV004159166.1).